The following is an entry in ClinVar:

NM_006206.6(PDGFRA):c.817_824dup (p.Leu275fs)

Gene: PDGFRA (platelet derived growth factor receptor alpha; plus strand). Cytogenetic location: 4q12.
Variant type: Duplication.
Coding change: c.817_824dup on transcript NM_006206.6 (MANE Select); coding-DNA positions 817 to 824, 8 bases duplicated (TACACTTT; older notation c.817_824dupTACACTTT).
Protein change: p.Leu275fs; shifts the reading frame from leucine 275.
Molecular consequence: frameshift variant.
Genome position (GRCh38, 1-based): chr4:54,267,346-54,267,353, TACACTTT duplicated. VCF-style (leftmost placement, unchanged base first): chr4-54267345-G-GTACACTTT. GRCh37 (hg19) VCF-style: chr4-55133512-G-GTACACTTT.
Other names: c.817_824dup, p.Leu275fs (NM_001347827.2, NM_001347829.2); c.892_899dup, p.Leu300fs (NM_001347828.2); c.856_863dup, p.Leu288fs (NM_001347830.2); short protein forms L275fs, L288fs, L300fs.
Identifiers: ClinVar variation 3727383 (VCV003727383.2).

ClinVar aggregate classification (germline): Uncertain significance (1 of 4 stars; one submission).

Conditions:
Gastrointestinal stromal tumor. Also called: Gastrointestinal stromal tumor, somatic; Gastrointestinal stroma tumor. Identifiers: Orphanet 44890, MedGen C0238198, MeSH D046152, MONDO:0011719, OMIM 606764, HP:0100723.

Submission:

Labcorp Genetics (formerly Invitae), Labcorp
Classification: Uncertain significance for Gastrointestinal stromal tumor. Last evaluated: 2024-12-16. Review status: criteria provided, single submitter. Criteria: Invitae Variant Classification Sherloc (09022015). Collection method: clinical testing. Allele origin: germline.
Comment: This sequence change creates a premature translational stop signal (p.Leu275Phefs*4) in the PDGFRA gene. It is expected to result in an absent or disrupted protein product. However, the current clinical and genetic evidence is not sufficient to establish whether loss-of-function variants in PDGFRA cause disease. This variant is not present in population databases (gnomAD no frequency). This variant has not been reported in the literature in individuals affected with PDGFRA-related conditions. Algorithms developed to predict the effect of sequence changes on RNA splicing suggest that this variant may disrupt the consensus splice site. In summary, the available evidence is currently insufficient to determine the role of this variant in disease. Therefore, it has been classified as a Variant of Uncertain Significance.